The following is an entry in ClinVar:

ClinVar aggregate classification (germline): Uncertain significance (1 of 4 stars; one submission).

Conditions:
Congenital myasthenic syndrome 5. Identifiers: Orphanet 590, MedGen C1864233, MONDO:0011281, OMIM 603034.

Submission:

Labcorp Genetics (formerly Invitae), Labcorp
Classification: Uncertain significance for Congenital myasthenic syndrome 5. Last evaluated: 2022-07-01. Review status: criteria provided, single submitter. Criteria: Invitae Variant Classification Sherloc (09022015). Collection method: clinical testing. Allele origin: germline.
Comment: This sequence change replaces cysteine, which is neutral and slightly polar, with serine, which is neutral and polar, at codon 405 of the COLQ protein (p.Cys405Ser). In summary, the available evidence is currently insufficient to determine the role of this variant in disease. Therefore, it has been classified as a Variant of Uncertain Significance. Algorithms developed to predict the effect of missense changes on protein structure and function are either unavailable or do not agree on the potential impact of this missense change (SIFT: "Tolerated"; PolyPhen-2: "Not Available"; Align-GVGD: "Class C0"). This variant has not been reported in the literature in individuals affected with COLQ-related conditions. This variant is not present in population databases (gnomAD no frequency).

NM_005677.4(COLQ):c.1214G>C (p.Cys405Ser)

Gene: COLQ (collagen like tail subunit of asymmetric acetylcholinesterase; minus strand). Cytogenetic location: 3p25.1.
Variant type: single nucleotide variant.
Coding change: c.1214G>C on transcript NM_005677.4 (MANE Select); coding-DNA position 1214, G replaced by C.
Protein change: p.Cys405Ser; replaces cysteine 405 with serine.
Molecular consequence: missense variant.
Genome position (GRCh38, 1-based): chr3:15,453,913, C>G on the plus strand (G>C on the coding strand, the complement: COLQ is on the minus strand). VCF-style: chr3-15453913-C-G. GRCh37 (hg19) VCF-style: chr3-15495420-C-G.
Other names: c.1184G>C, p.Cys395Ser (NM_080538.2); c.1112G>C, p.Cys371Ser (NM_080539.4); short protein forms C371S, C395S, C405S.
Identifiers: ClinVar variation 2123505 (VCV002123505.4), dbSNP rs1336071409, ClinGen allele CA351595701.
Genomic context (GRCh38, chr3:15,453,913, plus strand): 5'-AGGTAGCCAAAGTCAGAGCCGTCACAGTCCTCCACACCCTCATGCCGGTGACCATCTCCA[C>G]AGTAGGCACGGTGACAGCCTGAGGGGACATAAGGAGGTGCAGTCTTGAGAAGGAGCAGAG-3'
Protein context (NP_005668.2, residues 395-415): DDCIRCHRAY[Cys405Ser]GDGHRHEGVE